The following is an entry in ClinVar:

ClinVar aggregate classification (germline): Likely benign (0 of 4 stars; one submission).

Conditions:
PAX7-related disorder. Also called: PAX7-related condition.

Allele frequency attached by ClinVar (database versions not stated): TOPMed 0.00003; gnomAD 0.00007; ESP Exome Variant Server 0.00008; ExAC 0.00010.
gnomAD v4.1: 98 of 1,589,378 alleles (0.0062%); highest among the groups gnomAD compares: Middle Eastern, 0.033%; no homozygotes.

Submission:

PreventionGenetics, part of Exact Sciences
Classification: Likely benign for PAX7-related condition. Last evaluated: 2019-05-23. Review status: no assertion criteria provided. Collection method: clinical testing. Allele origin: germline.
Comment: This variant is classified as likely benign based on ACMG/AMP sequence variant interpretation guidelines (Richards et al. 2015 PMID: 25741868, with internal and published modifications).

NM_001135254.2(PAX7):c.897G>A (p.Thr299=)

Gene: PAX7 (paired box 7; plus strand). Cytogenetic location: 1p36.13.
Variant type: single nucleotide variant.
Coding change: c.897G>A on transcript NM_001135254.2 (MANE Select); coding-DNA position 897, G replaced by A.
Protein change: p.Thr299=; no amino-acid change (threonine 299 retained).
Molecular consequence: synonymous variant.
Genome position (GRCh38, 1-based): chr1:18,700,763, G>A. VCF-style: chr1-18700763-G-A. GRCh37 (hg19) VCF-style: chr1-19027257-G-A.
Other names: c.897G>A, p.Thr299= (NM_002584.3); c.891G>A, p.Thr297= (NM_013945.3).
Identifiers: ClinVar variation 3038744 (VCV003038744.2), dbSNP rs150935650, ClinGen allele CA645817.